The following is an entry in ClinVar:

ClinVar aggregate classification (germline): Pathogenic (1 of 4 stars; one submission).

Submission:

Labcorp Genetics (formerly Invitae), Labcorp
Classification: Pathogenic. Last evaluated: 2023-02-14. Review status: criteria provided, single submitter. Criteria: Invitae Variant Classification Sherloc (09022015). Collection method: clinical testing. Allele origin: unknown.
Comment: This variant is a gross deletion of the genomic region encompassing exon(s) 12-22 of the NPHS1 gene. This deletion is out-of-frame, and is expected to create a premature termination codon and result in an absent or disrupted protein product. Loss-of-function variants in NPHS1 are known to be pathogenic (PMID: 11317351, 11854170, 12039988). A similar copy number variant has been observed in individual(s) with NPHS1-related conditions (PMID: 20507940). This variant is also known as c.1441-?_3109+?. For these reasons, this variant has been classified as Pathogenic.

Literature cited by the submitters: PubMed 11317351; PubMed 11854170; PubMed 12039988; PubMed 20507940.

NC_000019.9:g.(?_36330119)_(36337116_?)del

Gene: NPHS1 (NPHS1 adhesion molecule, nephrin; minus strand). Cytogenetic location: 19q13.12.
Variant type: Deletion.
Identifiers: ClinVar variation 3242678 (VCV003242678.1).